The following is an entry in ClinVar:

ClinVar aggregate classification (germline): Uncertain significance. Review status: criteria provided, multiple submitters, no conflicts (2 of 4 stars). 3 submissions from 3 submitters: Uncertain significance (3). Last evaluated 2025-12-11.

Allele frequency attached by ClinVar (database versions not stated): ExAC 0.00012; gnomAD exomes 0.00017; TOPMed 0.00007; 1000 Genomes Project 30x 0.00031; 1000 Genomes Project 0.00020; gnomAD 0.00005.
gnomAD v4.1: 247 of 1,613,908 alleles (0.015%); highest among the groups gnomAD compares: Middle Eastern, 0.05%; no homozygotes.

Submissions (3):

Labcorp Genetics (formerly Invitae), Labcorp
Classification: Uncertain significance. Last evaluated: 2025-12-11. Review status: criteria provided, single submitter. Criteria: Invitae Variant Classification Sherloc (09022015). Collection method: clinical testing. Allele origin: germline.
Comment: This sequence change replaces glutamic acid, which is acidic and polar, with lysine, which is basic and polar, at codon 525 of the SPTB protein (p.Glu525Lys). This variant is present in population databases (rs55752508, gnomAD 0.02%). This variant has not been reported in the literature in individuals affected with SPTB-related conditions. ClinVar contains an entry for this variant (Variation ID: 2683259). An algorithm developed to predict the effect of missense changes on protein structure and function (PolyPhen-2) suggests that this variant is likely to be tolerated. In summary, the available evidence is currently insufficient to determine the role of this variant in disease. Therefore, it has been classified as a Variant of Uncertain Significance.

Revvity Omics, Revvity
Classification: Uncertain significance. Last evaluated: 2024-03-12. Review status: criteria provided, single submitter. Criteria: ACMG Guidelines, 2015. Collection method: clinical testing. Allele origin: germline.

Mayo Clinic Laboratories, Mayo Clinic
Classification: Uncertain significance. Last evaluated: 2022-05-06. Review status: criteria provided, single submitter. Criteria: ACMG Guidelines, 2015. Collection method: clinical testing. Allele origin: germline. Observed: 103 variant alleles.

NM_001355436.2(SPTB):c.1573G>A (p.Glu525Lys)

Gene: SPTB (spectrin beta, erythrocytic; minus strand). Cytogenetic location: 14q23.3.
Variant type: single nucleotide variant.
Coding change: c.1573G>A on transcript NM_001355436.2 (MANE Select); coding-DNA position 1573, G replaced by A.
Protein change: p.Glu525Lys; replaces glutamic acid 525 with lysine.
Molecular consequence: missense variant.
Genome position (GRCh38, 1-based): chr14:64,795,408, C>T on the plus strand (G>A on the coding strand, the complement: SPTB is on the minus strand). VCF-style: chr14-64795408-C-T. GRCh37 (hg19) VCF-style: chr14-65262126-C-T.
Other names: p.Glu525Lys; c.1573G>A, p.Glu525Lys (NM_001024858.4, NM_001355437.2); short protein forms E525K.
Identifiers: ClinVar variation 2683259 (VCV002683259.6), dbSNP rs55752508, ClinGen allele CA7231080.